The following is an entry in ClinVar:

NM_020686.6(ABAT):c.279G>A (p.Met93Ile)

Gene: ABAT (4-aminobutyrate aminotransferase; plus strand). Cytogenetic location: 16p13.2.
Variant type: single nucleotide variant.
Coding change: c.279G>A on transcript NM_020686.6 (MANE Select); coding-DNA position 279, G replaced by A.
Protein change: p.Met93Ile; replaces methionine 93 with isoleucine.
Molecular consequence: missense variant. On other transcripts: intron variant (1).
Genome position (GRCh38, 1-based): chr16:8,750,502, G>A. VCF-style: chr16-8750502-G-A. GRCh37 (hg19) VCF-style: chr16-8844359-G-A.
Other names: c.279G>A, p.Met93Ile (NM_000663.5, NM_001127448.2, NM_001386600.1 and 11 more transcripts); c.144G>A, p.Met48Ile (NM_001386610.1, NM_001386611.1, NM_001386612.1 and 1 more transcripts); c.71-7255G>A (NM_001386614.1); short protein forms M93I, M48I.
Identifiers: ClinVar variation 529786 (VCV000529786.9), dbSNP rs1555490154, ClinGen allele CA394687915.

ClinVar aggregate classification (germline): Uncertain significance (1 of 4 stars; one submission).

Conditions:
Gamma-aminobutyric acid transaminase deficiency (GABATD). Also called: GABA aminotransaminase deficiency; GABA transaminase deficiency; Gamma aminobutyrate transaminase deficiency; 4 alpha aminobutyrate transaminase deficiency. Identifiers: Orphanet 2066, MedGen C0342708, MONDO:0013166, OMIM 613163.

Allele frequency attached by ClinVar (database versions not stated): gnomAD exomes below 0.00001; TOPMed below 0.00001; gnomAD 0.00001.
gnomAD v4.1: 7 of 1,614,052 alleles (0.00043%); highest among the groups gnomAD compares: Non-Finnish European, 0.00059%; no homozygotes.

Submission:

Labcorp Genetics (formerly Invitae), Labcorp
Classification: Uncertain significance for Gamma-aminobutyric acid transaminase deficiency. Last evaluated: 2017-11-05. Review status: criteria provided, single submitter. Criteria: Invitae Variant Classification Sherloc (09022015). Collection method: clinical testing. Allele origin: germline.
Comment: This variant has not been reported in the literature in individuals with ABAT-related disease. In summary, the available evidence is currently insufficient to determine the role of this variant in disease. Therefore, it has been classified as a Variant of Uncertain Significance. Algorithms developed to predict the effect of missense changes on protein structure and function (SIFT, PolyPhen-2, Align-GVGD) all suggest that this variant is likely to be tolerated, but these predictions have not been confirmed by published functional studies and their clinical significance is uncertain. This variant is not present in population databases (ExAC no frequency). This sequence change replaces methionine with isoleucine at codon 93 of the ABAT protein (p.Met93Ile). The methionine residue is moderately conserved and there is a small physicochemical difference between methionine and isoleucine.